The following is an entry in ClinVar:

ClinVar aggregate classification (germline): Uncertain significance. Review status: criteria provided, multiple submitters, no conflicts (2 of 4 stars). 2 submissions from 2 submitters: Uncertain significance (2). Last evaluated 2025-08-24.

Conditions:
Hereditary cancer-predisposing syndrome. Also called: Tumor predisposition; Hereditary neoplastic syndrome; Neoplastic Syndromes, Hereditary; Hereditary Cancer Syndrome. Identifiers: Orphanet 140162, MedGen C0027672, MeSH D009386, MONDO:0015356.
Oligodontia-cancer predisposition syndrome. Also called: TOOTH AGENESIS-COLORECTAL CANCER SYNDROME. Identifiers: Orphanet 300576, MedGen C1837750, MONDO:0012075, OMIM 608615. Disease mechanism: loss of function.

Allele frequency attached by ClinVar (database versions not stated): gnomAD exomes below 0.00001.
gnomAD v4.1: 1 of 1,614,014 alleles (0.000062%); highest among the groups gnomAD compares: Admixed American, 0.0017%; no homozygotes.

Submissions (2):

Ambry Genetics
Classification: Uncertain significance for Hereditary cancer-predisposing syndrome. Last evaluated: 2025-08-24. Review status: criteria provided, single submitter. Criteria: Ambry Variant Classification Scheme 2023. Collection method: clinical testing. Allele origin: germline.
Comment: The p.T536S variant (also known as c.1606A>T), located in coding exon 5 of the AXIN2 gene, results from an A to T substitution at nucleotide position 1606. The threonine at codon 536 is replaced by serine, an amino acid with similar properties. This amino acid position is conserved. In addition, this alteration is predicted to be tolerated by in silico analysis. Based on the available evidence, the clinical significance of this variant remains unclear.

Labcorp Genetics (formerly Invitae), Labcorp
Classification: Uncertain significance for Oligodontia-cancer predisposition syndrome. Last evaluated: 2025-06-29. Review status: criteria provided, single submitter. Criteria: Invitae Variant Classification Sherloc (09022015). Collection method: clinical testing. Allele origin: germline.
Comment: This sequence change replaces threonine, which is neutral and polar, with serine, which is neutral and polar, at codon 536 of the AXIN2 protein (p.Thr536Ser). This variant is present in population databases (no rsID available, gnomAD no frequency). This variant has not been reported in the literature in individuals affected with AXIN2-related conditions. ClinVar contains an entry for this variant (Variation ID: 858935). Invitae Evidence Modeling of protein sequence and biophysical properties (such as structural, functional, and spatial information, amino acid conservation, physicochemical variation, residue mobility, and thermodynamic stability) indicates that this missense variant is not expected to disrupt AXIN2 protein function with a negative predictive value of 80%. In summary, the available evidence is currently insufficient to determine the role of this variant in disease. Therefore, it has been classified as a Variant of Uncertain Significance.

NM_004655.4(AXIN2):c.1606A>T (p.Thr536Ser)

Gene: AXIN2 (axin 2; minus strand). Cytogenetic location: 17q24.1.
Variant type: single nucleotide variant.
Coding change: c.1606A>T on transcript NM_004655.4 (MANE Select); coding-DNA position 1606, A replaced by T.
Protein change: p.Thr536Ser; replaces threonine 536 with serine.
Molecular consequence: missense variant.
Genome position (GRCh38, 1-based): chr17:65,537,430, T>A on the plus strand (A>T on the coding strand, the complement: AXIN2 is on the minus strand). VCF-style: chr17-65537430-T-A. GRCh37 (hg19) VCF-style: chr17-63533548-T-A.
Other names: c.1606A>T, p.Thr536Ser (NM_001363813.1); short protein forms T536S.
Identifiers: ClinVar variation 858935 (VCV000858935.10), dbSNP rs1373860602, ClinGen allele CA400677163.